The following is an entry in ClinVar:

ClinVar aggregate classification (germline): Uncertain significance (1 of 4 stars; one submission).

Submission:

GeneDx
Classification: Uncertain significance. Last evaluated: 2024-10-07. Review status: criteria provided, single submitter. Criteria: GeneDx Variant Classification Process June 2021. Collection method: clinical testing. Allele origin: germline. Affected: yes.
Comment: Not observed at significant frequency in large population cohorts (gnomAD); In silico analysis indicates that this missense variant does not alter protein structure/function; Has not been previously published as pathogenic or benign to our knowledge

NM_183357.3(ADCY5):c.1153A>G (p.Ile385Val)

Gene: ADCY5 (adenylate cyclase 5; minus strand). Cytogenetic location: 3q21.1.
Variant type: single nucleotide variant.
Coding change: c.1153A>G on transcript NM_183357.3 (MANE Select); coding-DNA position 1153, A replaced by G.
Protein change: p.Ile385Val; replaces isoleucine 385 with valine.
Molecular consequence: missense variant.
Genome position (GRCh38, 1-based): chr3:123,352,563, T>C on the plus strand (A>G on the coding strand, the complement: ADCY5 is on the minus strand). VCF-style: chr3-123352563-T-C. GRCh37 (hg19) VCF-style: chr3-123071410-T-C.
Other names: c.103A>G, p.Ile35Val (NM_001199642.1); c.1153A>G, p.Ile385Val (NM_001378259.1); short protein forms I35V, I385V.
Identifiers: ClinVar variation 3776700 (VCV003776700.1).